The following is an entry in ClinVar:

ClinVar aggregate classification (germline): Uncertain significance. Review status: criteria provided, multiple submitters, no conflicts (2 of 4 stars). 3 submissions from 3 submitters: Uncertain significance (3). Last evaluated 2025-10-30.

Conditions:
Neutropenia, severe congenital, 2, autosomal dominant. Identifiers: Orphanet 486, MedGen C2751288, MONDO:0013139, OMIM 613107.

Submissions (3):

Ambry Genetics
Classification: Uncertain significance. Last evaluated: 2025-10-30. Review status: criteria provided, single submitter. Criteria: Ambry Variant Classification Scheme 2023. Collection method: clinical testing. Allele origin: germline.
Comment: The p.E271A variant (also known as c.812A>C), located in coding exon 4 of the GFI1 gene, results from an A to C substitution at nucleotide position 812. The glutamic acid at codon 271 is replaced by alanine, an amino acid with dissimilar properties. This amino acid position is conserved. In addition, this alteration is predicted to be tolerated by in silico analysis. Based on the available evidence, the clinical significance of this variant remains unclear.

Labcorp Genetics (formerly Invitae), Labcorp
Classification: Uncertain significance for Neutropenia, severe congenital, 2, autosomal dominant. Last evaluated: 2025-04-03. Review status: criteria provided, single submitter. Criteria: Invitae Variant Classification Sherloc (09022015). Collection method: clinical testing. Allele origin: germline.
Comment: This sequence change replaces glutamic acid, which is acidic and polar, with alanine, which is neutral and non-polar, at codon 271 of the GFI1 protein (p.Glu271Ala). This variant is not present in population databases (gnomAD no frequency). This variant has not been reported in the literature in individuals affected with GFI1-related conditions. Invitae Evidence Modeling of protein sequence and biophysical properties (such as structural, functional, and spatial information, amino acid conservation, physicochemical variation, residue mobility, and thermodynamic stability) has been performed for this missense variant. However, the output from this modeling did not meet the statistical confidence thresholds required to predict the impact of this variant on GFI1 protein function. In summary, the available evidence is currently insufficient to determine the role of this variant in disease. Therefore, it has been classified as a Variant of Uncertain Significance.

Blueprint Genetics
Classification: Uncertain significance. Last evaluated: 2019-05-03. Review status: criteria provided, single submitter. Criteria: ACMG Guidelines, 2015. Collection method: clinical testing. Allele origin: germline.

NM_005263.5(GFI1):c.812A>C (p.Glu271Ala)

Gene: GFI1 (growth factor independent 1 transcriptional repressor; minus strand). Cytogenetic location: 1p22.1.
Variant type: single nucleotide variant.
Coding change: c.812A>C on transcript NM_005263.5 (MANE Select); coding-DNA position 812, A replaced by C.
Protein change: p.Glu271Ala; replaces glutamic acid 271 with alanine.
Molecular consequence: missense variant.
Genome position (GRCh38, 1-based): chr1:92,480,460, T>G on the plus strand (A>C on the coding strand, the complement: GFI1 is on the minus strand). VCF-style: chr1-92480460-T-G. GRCh37 (hg19) VCF-style: chr1-92946017-T-G.
Other names: c.812A>C, p.Glu271Ala (NM_001127215.3, NM_001127216.3); short protein forms E271A.
Identifiers: ClinVar variation 4671589 (VCV004671589.3).